The following is an entry in ClinVar:

ClinVar aggregate classification (germline): Uncertain significance (1 of 4 stars; one submission).

gnomAD v4.1: 1 of 1,562,088 alleles (0.000064%); highest among the groups gnomAD compares: Admixed American, 0.0021%; no homozygotes.

Submission:

GeneDx
Classification: Uncertain significance. Last evaluated: 2024-10-26. Review status: criteria provided, single submitter. Criteria: GeneDx Variant Classification Process June 2021. Collection method: clinical testing. Allele origin: germline. Affected: yes.
Comment: Not observed at significant frequency in large population cohorts (gnomAD); In silico analysis supports that this missense variant has a deleterious effect on protein structure/function; Has not been previously published as pathogenic or benign to our knowledge

NM_170606.3(KMT2C):c.4651C>T (p.His1551Tyr)

Gene: KMT2C (lysine methyltransferase 2C; minus strand). Cytogenetic location: 7q36.1.
Variant type: single nucleotide variant.
Coding change: c.4651C>T on transcript NM_170606.3 (MANE Select); coding-DNA position 4651, C replaced by T.
Protein change: p.His1551Tyr; replaces histidine 1551 with tyrosine.
Molecular consequence: missense variant.
Genome position (GRCh38, 1-based): chr7:152,194,018, G>A on the plus strand (C>T on the coding strand, the complement: KMT2C is on the minus strand). VCF-style: chr7-152194018-G-A. GRCh37 (hg19) VCF-style: chr7-151891103-G-A.
Other names: short protein forms H1551Y.
Identifiers: ClinVar variation 3897266 (VCV003897266.1).